The following is an entry in ClinVar:

ClinVar aggregate classification (germline): Uncertain significance (1 of 4 stars; one submission).

Submission:

Labcorp Genetics (formerly Invitae), Labcorp
Classification: Uncertain significance. Last evaluated: 2024-08-28. Review status: criteria provided, single submitter. Criteria: Invitae Variant Classification Sherloc (09022015). Collection method: clinical testing. Allele origin: germline.
Comment: This sequence change affects codon 28 of the MARS2 mRNA. It is a 'silent' change, meaning that it does not change the encoded amino acid sequence of the MARS2 protein. This variant is present in population databases (no rsID available, gnomAD 0.006%). This variant has not been reported in the literature in individuals affected with MARS2-related conditions. In summary, the available evidence is currently insufficient to determine the role of this variant in disease. Therefore, it has been classified as a Variant of Uncertain Significance.

NM_138395.4(MARS2):c.84C>T (p.Tyr28=)

Gene: MARS2 (methionyl-tRNA synthetase 2, mitochondrial; plus strand). Cytogenetic location: 2q33.1.
Variant type: single nucleotide variant.
Coding change: c.84C>T on transcript NM_138395.4 (MANE Select); coding-DNA position 84, C replaced by T.
Protein change: p.Tyr28=; no amino-acid change (tyrosine 28 retained).
Molecular consequence: synonymous variant.
Genome position (GRCh38, 1-based): chr2:197,705,489, C>T. VCF-style: chr2-197705489-C-T. GRCh37 (hg19) VCF-style: chr2-198570213-C-T.
Identifiers: ClinVar variation 3606634 (VCV003606634.2).